The following is an entry in ClinVar:

NM_032043.3(BRIP1):c.643T>G (p.Ser215Ala)

Gene: BRIP1 (BRCA1 interacting DNA helicase 1; minus strand). Cytogenetic location: 17q23.2.
Variant type: single nucleotide variant.
Coding change: c.643T>G on transcript NM_032043.3 (MANE Select); coding-DNA position 643, T replaced by G.
Protein change: p.Ser215Ala; replaces serine 215 with alanine.
Molecular consequence: missense variant.
Genome position (GRCh38, 1-based): chr17:61,808,742, A>C on the plus strand (T>G on the coding strand, the complement: BRIP1 is on the minus strand). VCF-style: chr17-61808742-A-C. GRCh37 (hg19) VCF-style: chr17-59886103-A-C.
Other names: short protein forms S215A.
Identifiers: ClinVar variation 1753553 (VCV001753553.2), dbSNP rs2145423176, ClinGen allele CA400485219.

ClinVar aggregate classification (germline): Uncertain significance (1 of 4 stars; one submission).

Conditions:
Hereditary cancer-predisposing syndrome. Also called: Neoplastic Syndromes, Hereditary; Tumor predisposition; Hereditary Cancer Syndrome; Hereditary neoplastic syndrome. Identifiers: Orphanet 140162, MedGen C0027672, MeSH D009386, MONDO:0015356.

Submission:

Ambry Genetics
Classification: Uncertain significance for Hereditary cancer-predisposing syndrome. Last evaluated: 2020-01-28. Review status: criteria provided, single submitter. Criteria: Ambry Variant Classification Scheme 2023. Collection method: clinical testing. Allele origin: germline.
Comment: The p.S215A variant (also known as c.643T>G), located in coding exon 6 of the BRIP1 gene, results from a T to G substitution at nucleotide position 643. The serine at codon 215 is replaced by alanine, an amino acid with similar properties. This amino acid position is not well conserved in available vertebrate species. In addition, this alteration is predicted to be tolerated by in silico analysis. Since supporting evidence is limited at this time, the clinical significance of this alteration remains unclear.